The following is an entry in ClinVar:

ClinVar aggregate classification (germline): Uncertain significance (1 of 4 stars; one submission).

Conditions:
Brugada syndrome 8 (BRGDA8). Identifiers: Orphanet 130, MedGen C2751083, MONDO:0013148, OMIM 613123.

Submission:

Labcorp Genetics (formerly Invitae), Labcorp
Classification: Uncertain significance for Brugada syndrome 8. Last evaluated: 2025-10-18. Review status: criteria provided, single submitter. Criteria: Invitae Variant Classification Sherloc (09022015). Collection method: clinical testing. Allele origin: germline.
Comment: This sequence change replaces methionine, which is neutral and non-polar, with valine, which is neutral and non-polar, at codon 508 of the HCN4 protein (p.Met508Val). This variant is not present in population databases (gnomAD no frequency). This variant has not been reported in the literature in individuals affected with HCN4-related conditions. ClinVar contains an entry for this variant (Variation ID: 1915623). Invitae Evidence Modeling of protein sequence and biophysical properties (such as structural, functional, and spatial information, amino acid conservation, physicochemical variation, residue mobility, and thermodynamic stability) has been performed for this missense variant. However, the output from this modeling did not meet the statistical confidence thresholds required to predict the impact of this variant on HCN4 protein function. In summary, the available evidence is currently insufficient to determine the role of this variant in disease. Therefore, it has been classified as a Variant of Uncertain Significance.

NM_005477.3(HCN4):c.1522A>G (p.Met508Val)

Gene: HCN4 (hyperpolarization activated cyclic nucleotide gated potassium channel 4; minus strand). Cytogenetic location: 15q24.1.
Variant type: single nucleotide variant.
Coding change: c.1522A>G on transcript NM_005477.3 (MANE Select); coding-DNA position 1522, A replaced by G.
Protein change: p.Met508Val; replaces methionine 508 with valine.
Molecular consequence: missense variant.
Genome position (GRCh38, 1-based): chr15:73,329,641, T>C on the plus strand (A>G on the coding strand, the complement: HCN4 is on the minus strand). VCF-style: chr15-73329641-T-C. GRCh37 (hg19) VCF-style: chr15-73621982-T-C.
Other names: short protein forms M508V.
Identifiers: ClinVar variation 1915623 (VCV001915623.5), dbSNP rs913845262, ClinGen allele CA272672022.